The following is an entry in ClinVar:

ClinVar aggregate classification (germline): Uncertain significance. Review status: criteria provided, multiple submitters, no conflicts (2 of 4 stars). 2 submissions from 2 submitters: Uncertain significance (2). Last evaluated 2024-11-15.

Allele frequency attached by ClinVar (database versions not stated): ExAC 0.00001; gnomAD 0.00001 and 0.00003; gnomAD exomes 0.00001; TOPMed 0.00001.
gnomAD v4.1: 14 of 1,614,028 alleles (0.00087%); highest among the groups gnomAD compares: South Asian, 0.0022%; no homozygotes.

Submissions (2):

Labcorp Genetics (formerly Invitae), Labcorp
Classification: Uncertain significance. Last evaluated: 2024-11-15. Review status: criteria provided, single submitter. Criteria: Invitae Variant Classification Sherloc (09022015). Collection method: clinical testing. Allele origin: germline.
Comment: This sequence change replaces arginine, which is basic and polar, with glutamine, which is neutral and polar, at codon 351 of the FBLN5 protein (p.Arg351Gln). This variant is not present in population databases (gnomAD no frequency). This missense change has been observed in individual(s) with clinical features of autosomal dominant FBNL5-related conditions (internal data). ClinVar contains an entry for this variant (Variation ID: 1351607). Invitae Evidence Modeling of protein sequence and biophysical properties (such as structural, functional, and spatial information, amino acid conservation, physicochemical variation, residue mobility, and thermodynamic stability) indicates that this missense variant is not expected to disrupt FBLN5 protein function with a negative predictive value of 80%. In summary, the available evidence is currently insufficient to determine the role of this variant in disease. Therefore, it has been classified as a Variant of Uncertain Significance.

CeGaT Center for Human Genetics Tuebingen
Classification: Uncertain significance. Last evaluated: 2024-11-01. Review status: criteria provided, single submitter. Criteria: CeGaT Center For Human Genetics Tuebingen Variant Classification Criteria Version 2. Collection method: clinical testing. Allele origin: germline. Affected: yes. Observed: 1 variant allele.
Comment: FBLN5: PM5

NM_006329.4(FBLN5):c.1052G>A (p.Arg351Gln)

Gene: FBLN5 (fibulin 5; minus strand). Cytogenetic location: 14q32.12.
Variant type: single nucleotide variant.
Coding change: c.1052G>A on transcript NM_006329.4 (MANE Select); coding-DNA position 1052, G replaced by A.
Protein change: p.Arg351Gln; replaces arginine 351 with glutamine.
Molecular consequence: missense variant.
Genome position (GRCh38, 1-based): chr14:91,877,620, C>T on the plus strand (G>A on the coding strand, the complement: FBLN5 is on the minus strand). VCF-style: chr14-91877620-C-T. GRCh37 (hg19) VCF-style: chr14-92343964-C-T.
Other names: c.1175G>A, p.Arg392Gln (NM_001384158.1); c.1103G>A, p.Arg368Gln (NM_001384159.1); c.1052G>A, p.Arg351Gln (NM_001384160.1); c.884G>A, p.Arg295Gln (NM_001384161.1, NM_001384162.1); short protein forms R351Q, R368Q, R392Q, R295Q.
Identifiers: ClinVar variation 1351607 (VCV001351607.20), dbSNP rs746771323, ClinGen allele CA7312629.